The following is an entry in ClinVar:

NM_021830.5(TWNK):c.464G>A (p.Arg155Gln)

Gene: TWNK (twinkle mtDNA helicase; plus strand). Cytogenetic location: 10q24.31.
Variant type: single nucleotide variant.
Coding change: c.464G>A on transcript NM_021830.5 (MANE Select); coding-DNA position 464, G replaced by A.
Protein change: p.Arg155Gln; replaces arginine 155 with glutamine.
Molecular consequence: missense variant. On other transcripts: non-coding transcript variant (4), intron variant (3).
Genome position (GRCh38, 1-based): chr10:100,988,674, G>A. VCF-style: chr10-100988674-G-A. GRCh37 (hg19) VCF-style: chr10-102748431-G-A.
Other names: c.464G>A, p.Arg155Gln (NM_001163812.2); c.-119-970G>A (NM_001163814.2, NM_001163813.2); c.-57-1032G>A (NM_001368275.1); short protein forms R155Q.
Identifiers: ClinVar variation 3686806 (VCV003686806.2).

ClinVar aggregate classification (germline): Uncertain significance (1 of 4 stars; one submission).

gnomAD v4.1: 5 of 1,613,988 alleles (0.00031%); highest among the groups gnomAD compares: East Asian, 0.0045%; no homozygotes.

Submission:

Labcorp Genetics (formerly Invitae), Labcorp
Classification: Uncertain significance. Last evaluated: 2024-11-26. Review status: criteria provided, single submitter. Criteria: Invitae Variant Classification Sherloc (09022015). Collection method: clinical testing. Allele origin: germline.
Comment: This sequence change replaces arginine, which is basic and polar, with glutamine, which is neutral and polar, at codon 155 of the TWNK protein (p.Arg155Gln). This variant is present in population databases (no rsID available, gnomAD 0.003%). This variant has not been reported in the literature in individuals affected with TWNK-related conditions. Invitae Evidence Modeling of protein sequence and biophysical properties (such as structural, functional, and spatial information, amino acid conservation, physicochemical variation, residue mobility, and thermodynamic stability) indicates that this missense variant is not expected to disrupt TWNK protein function with a negative predictive value of 95%. In summary, the available evidence is currently insufficient to determine the role of this variant in disease. Therefore, it has been classified as a Variant of Uncertain Significance.